The following is an entry in ClinVar:

ClinVar aggregate classification (germline): Likely benign. Review status: criteria provided, multiple submitters, no conflicts (2 of 4 stars). 2 submissions from 2 submitters: Likely benign (2). Last evaluated 2024-09-19.

Conditions:
Hereditary cancer-predisposing syndrome. Also called: Tumor predisposition; Neoplastic Syndromes, Hereditary; Hereditary Cancer Syndrome; Hereditary neoplastic syndrome. Identifiers: Orphanet 140162, MedGen C0027672, MeSH D009386, MONDO:0015356.
Hereditary diffuse gastric adenocarcinoma (HDGC). Also called: DIFFUSE GASTRIC AND LOBULAR BREAST CANCER SYNDROME. Identifiers: Orphanet 26106, MedGen C1708349, MONDO:0007648, OMIM 137215.

Submissions (2):

Myriad Genetics, Inc.
Classification: Likely benign for Hereditary diffuse gastric adenocarcinoma. Last evaluated: 2024-09-19. Review status: criteria provided, single submitter. Criteria: Myriad Autosomal Dominant, Autosomal Recessive and X-Linked Classification Criteria (2023). Collection method: clinical testing. Allele origin: unknown.
Comment: This variant is considered likely benign. This variant is intronic and is not expected to impact mRNA splicing.

Color Diagnostics, LLC DBA Color Health
Classification: Likely benign for Hereditary cancer-predisposing syndrome. Last evaluated: 2017-07-25. Review status: criteria provided, single submitter. Criteria: ACMG Guidelines, 2015. Collection method: clinical testing. Allele origin: germline.

NM_004360.5(CDH1):c.1566-20C>T

Gene: CDH1 (cadherin 1; plus strand). Cytogenetic location: 16q22.1.
Variant type: single nucleotide variant.
Coding change: c.1566-20C>T on transcript NM_004360.5 (MANE Select); 20 bases into the intron before coding-DNA position 1566, C replaced by T.
Molecular consequence: intron variant.
Genome position (GRCh38, 1-based): chr16:68,819,260, C>T. VCF-style: chr16-68819260-C-T. GRCh37 (hg19) VCF-style: chr16-68853163-C-T.
Other names: c.18-20C>T (NM_001317185.2); c.-254-2741C>T (NM_001317186.2); c.1383-20C>T (NM_001317184.2).
Identifiers: ClinVar variation 491502 (VCV000491502.4), dbSNP rs1555516506, ClinGen allele CA658683956.